The following is an entry in ClinVar:

NM_002972.4(SBF1):c.3701C>T (p.Ala1234Val)

Gene: SBF1 (SET binding factor 1; minus strand). Cytogenetic location: 22q13.33.
Variant type: single nucleotide variant.
Coding change: c.3701C>T on transcript NM_002972.4 (MANE Select); coding-DNA position 3701, C replaced by T.
Protein change: p.Ala1234Val; replaces alanine 1234 with valine.
Molecular consequence: missense variant.
Genome position (GRCh38, 1-based): chr22:50,459,380, G>A on the plus strand (C>T on the coding strand, the complement: SBF1 is on the minus strand). VCF-style: chr22-50459380-G-A. GRCh37 (hg19) VCF-style: chr22-50897809-G-A.
Other names: c.3704C>T, p.Ala1235Val (NM_001365819.1, NM_001410794.1); c.3701C>T, p.Ala1234Val (NM_001410795.1, NM_197971.1); c.3701C>T (NM_002972.2); short protein forms A1234V, A1235V.
Identifiers: ClinVar variation 2428323 (VCV002428323.7), dbSNP rs763261910, ClinGen allele CA10316600.
Genomic context (GRCh38, chr22:50,459,380, plus strand): 5'-CGGGGCATGGAGCTGACCACAGCCTGCAGGTACTTCTCCTGCTCCAGGCTACTCGAGTCC[G>A]CCTGGGACTGGCCTGGGGGAGGACACGGAGCTGAGGGAGGGGAGGGTGAGATAGGGCAGG-3'
Protein context (NP_002963.2, residues 1224-1244): QNAPSPGQSQ[Ala1234Val]DSSSLEQEKY

ClinVar aggregate classification (germline): Uncertain significance. Review status: criteria provided, multiple submitters, no conflicts (2 of 4 stars). 2 submissions from 2 submitters: Uncertain significance (2). Last evaluated 2025-05-18.

Allele frequency attached by ClinVar (database versions not stated): ExAC 0.00001; TOPMed 0.00003; gnomAD 0.00005.

Submissions (2):

Ambry Genetics
Classification: Uncertain significance. Last evaluated: 2025-05-18. Review status: criteria provided, single submitter. Criteria: Ambry Variant Classification Scheme 2023. Collection method: clinical testing. Allele origin: germline.

Labcorp Genetics (formerly Invitae), Labcorp
Classification: Uncertain significance. Last evaluated: 2023-11-17. Review status: criteria provided, single submitter. Criteria: Invitae Variant Classification Sherloc (09022015). Collection method: clinical testing. Allele origin: germline.
Comment: This sequence change replaces alanine, which is neutral and non-polar, with valine, which is neutral and non-polar, at codon 1234 of the SBF1 protein (p.Ala1234Val). This variant is present in population databases (rs763261910, gnomAD 0.01%). This variant has not been reported in the literature in individuals affected with SBF1-related conditions. ClinVar contains an entry for this variant (Variation ID: 2428323). Advanced modeling of protein sequence and biophysical properties (such as structural, functional, and spatial information, amino acid conservation, physicochemical variation, residue mobility, and thermodynamic stability) performed at Invitae indicates that this missense variant is not expected to disrupt SBF1 protein function with a negative predictive value of 80%. In summary, the available evidence is currently insufficient to determine the role of this variant in disease. Therefore, it has been classified as a Variant of Uncertain Significance.